The following is an entry in ClinVar:

ClinVar aggregate classification (germline): Uncertain significance (1 of 4 stars; one submission).

Conditions:
Left ventricular noncompaction 8 (LVNC8). Identifiers: Orphanet 154, Orphanet 54260, MedGen C3809288, MONDO:0014152, OMIM 615373.

Submission:

Labcorp Genetics (formerly Invitae), Labcorp
Classification: Uncertain significance for Left ventricular noncompaction 8. Last evaluated: 2021-04-11. Review status: criteria provided, single submitter. Criteria: Invitae Variant Classification Sherloc (09022015). Collection method: clinical testing. Allele origin: germline.
Comment: In summary, the available evidence is currently insufficient to determine the role of this variant in disease. Therefore, it has been classified as a Variant of Uncertain Significance. Algorithms developed to predict the effect of missense changes on protein structure and function (SIFT, PolyPhen-2, Align-GVGD) all suggest that this variant is likely to be disruptive, but these predictions have not been confirmed by published functional studies and their clinical significance is uncertain. This variant has not been reported in the literature in individuals with PRDM16-related conditions. This variant is not present in population databases (ExAC no frequency). This sequence change replaces cysteine with tyrosine at codon 399 of the PRDM16 protein (p.Cys399Tyr). The cysteine residue is highly conserved and there is a large physicochemical difference between cysteine and tyrosine.

NM_022114.4(PRDM16):c.1196G>A (p.Cys399Tyr)

Gene: PRDM16 (PR/SET domain 16; plus strand). Cytogenetic location: 1p36.32.
Variant type: single nucleotide variant.
Coding change: c.1196G>A on transcript NM_022114.4 (MANE Select); coding-DNA position 1196, G replaced by A.
Protein change: p.Cys399Tyr; replaces cysteine 399 with tyrosine.
Molecular consequence: missense variant.
Genome position (GRCh38, 1-based): chr1:3,411,393, G>A. VCF-style: chr1-3411393-G-A. GRCh37 (hg19) VCF-style: chr1-3327957-G-A.
Other names: c.1196G>A, p.Cys399Tyr (NM_199454.3); short protein forms C399Y.
Identifiers: ClinVar variation 1525305 (VCV001525305.8), dbSNP rs2100662054, ClinGen allele CA337996677.